The following is an entry in ClinVar:

ClinVar aggregate classification (germline): Conflicting classifications of pathogenicity. Review status: criteria provided, conflicting classifications (1 of 4 stars). 5 submissions from 5 submitters: Uncertain significance (4); Likely benign (1). Last evaluated 2025-12-22.

Conditions:
SYNE4-related disorder. Also called: SYNE4-related condition.

Allele frequency attached by ClinVar (database versions not stated): 1000 Genomes Project 30x 0.00016; 1000 Genomes Project 0.00020; gnomAD exomes 0.00063; ESP Exome Variant Server 0.00065; TOPMed 0.00066; gnomAD 0.00070 and 0.00071; ExAC 0.00090.
gnomAD v4.1: 1,555 of 1,594,740 alleles (0.098%); highest among the groups gnomAD compares: Middle Eastern, 0.23%; no homozygotes.

Submissions (5):

PreventionGenetics, part of Exact Sciences
Classification: Uncertain significance for SYNE4-related condition. Last evaluated: 2025-12-22. Review status: criteria provided, single submitter. Criteria: ACMG Guidelines, 2015. Collection method: clinical testing. Allele origin: germline.
Comment: The SYNE4 c.317A>C variant is predicted to result in the amino acid substitution p.Gln106Pro. To our knowledge, this variant has not been reported in the literature. This variant is reported in 0.12% of alleles in individuals of European (Non-Finnish) descent in gnomAD. Although we suspect that this variant may be benign, at this time, the clinical significance of this variant is uncertain due to the absence of conclusive functional and genetic evidence.

Blueprint Genetics
Classification: Uncertain significance. Last evaluated: 2024-10-11. Review status: criteria provided, single submitter. Criteria: ACMG Guidelines, 2015. Collection method: clinical testing. Allele origin: germline.

Labcorp Genetics (formerly Invitae), Labcorp
Classification: Uncertain significance. Last evaluated: 2022-10-18. Review status: criteria provided, single submitter. Criteria: Invitae Variant Classification Sherloc (09022015). Collection method: clinical testing. Allele origin: germline.
Comment: This sequence change replaces glutamine, which is neutral and polar, with proline, which is neutral and non-polar, at codon 106 of the SYNE4 protein (p.Gln106Pro). This variant is present in population databases (rs200994810, gnomAD 0.1%), and has an allele count higher than expected for a pathogenic variant. This variant has not been reported in the literature in individuals affected with SYNE4-related conditions. ClinVar contains an entry for this variant (Variation ID: 229283). Advanced modeling of protein sequence and biophysical properties (such as structural, functional, and spatial information, amino acid conservation, physicochemical variation, residue mobility, and thermodynamic stability) performed at Invitae indicates that this missense variant is expected to disrupt SYNE4 protein function. In summary, the available evidence is currently insufficient to determine the role of this variant in disease. Therefore, it has been classified as a Variant of Uncertain Significance.

GeneDx
Classification: Likely benign. Last evaluated: 2021-02-12. Review status: criteria provided, single submitter. Criteria: GeneDx Variant Classification Process June 2021. Collection method: clinical testing. Allele origin: germline. Affected: yes.

Laboratory for Molecular Medicine, Mass General Brigham Personalized Medicine
Classification: Uncertain significance. Last evaluated: 2019-06-05. Review status: criteria provided, single submitter. Criteria: ACMG Guidelines, 2015. Collection method: clinical testing. Allele origin: germline.
Comment: proposed classification - variant undergoing re-assessment, contact laboratory

NM_001039876.3(SYNE4):c.317A>C (p.Gln106Pro)

Gene: SYNE4 (spectrin repeat containing nuclear envelope family member 4; minus strand). Cytogenetic location: 19q13.12.
Variant type: single nucleotide variant.
Coding change: c.317A>C on transcript NM_001039876.3 (MANE Select); coding-DNA position 317, A replaced by C.
Protein change: p.Gln106Pro; replaces glutamine 106 with proline.
Molecular consequence: missense variant. On other transcripts: intron variant (1).
Genome position (GRCh38, 1-based): chr19:36,007,231, T>G on the plus strand (A>C on the coding strand, the complement: SYNE4 is on the minus strand). VCF-style: chr19-36007231-T-G. GRCh37 (hg19) VCF-style: chr19-36498133-T-G.
Other names: c.280-560A>C (NM_001297735.3); short protein forms Q106P.
Identifiers: ClinVar variation 229283 (VCV000229283.15), dbSNP rs200994810, ClinGen allele CA9393966.